The following is an entry in ClinVar:

NM_018136.5(ASPM):c.2525_2531del (p.Ser842fs)

Gene: ASPM (assembly factor for spindle microtubules; minus strand). Cytogenetic location: 1q31.3.
Variant type: Deletion.
Coding change: c.2525_2531del on transcript NM_018136.5 (MANE Select); coding-DNA positions 2525 to 2531, 7 bases deleted (GTGATGT; older notation c.2525_2531delGTGATGT).
Protein change: p.Ser842fs; shifts the reading frame from serine 842.
Molecular consequence: frameshift variant.
Genome position (GRCh38, 1-based): chr1:197,130,013-197,130,019, ACATCAC deleted on the plus strand (GTGATGT on the coding strand, the reverse complement: ASPM is on the minus strand). VCF-style (leftmost placement, unchanged base first): chr1-197130012-GACATCAC-G. GRCh37 (hg19) VCF-style: chr1-197099142-GACATCAC-G.
Other names: c.2525_2531del, p.Ser842fs (NM_001206846.2); c.2525_2531delGTGATGT (NM_018136.5); short protein forms S842fs.
Identifiers: ClinVar variation 1012238 (VCV001012238.3), dbSNP rs1658213105.

ClinVar aggregate classification (germline): Pathogenic (1 of 4 stars; one submission).

Conditions:
Microcephaly 5, primary, autosomal recessive (MCPH5). Also called: ASPM Primary Microcephaly. Identifiers: Orphanet 2512, MedGen C1837501, MONDO:0012106, OMIM 608716.

Submission:

Juno Genomics, Hangzhou Juno Genomics, Inc
Classification: Pathogenic for Microcephaly 5, primary, autosomal recessive. Review status: criteria provided, single submitter. Criteria: ACMG Guidelines, 2015. Collection method: clinical testing. Allele origin: germline.
Comment: Absent from controls (or at extremely low frequency if recessive) in Genome Aggregation Database.;Null variant in a gene where loss of function (LOF) is a known mechanism of disease.;For recessive disorders, detected in trans with a pathogenic variant.